The following is an entry in ClinVar:

NM_001430.5(EPAS1):c.2252T>G (p.Met751Arg)

Gene: EPAS1 (endothelial PAS domain protein 1; plus strand). Cytogenetic location: 2p21.
Variant type: single nucleotide variant.
Coding change: c.2252T>G on transcript NM_001430.5 (MANE Select); coding-DNA position 2252, T replaced by G.
Protein change: p.Met751Arg; replaces methionine 751 with arginine.
Molecular consequence: missense variant.
Genome position (GRCh38, 1-based): chr2:46,382,054, T>G. VCF-style: chr2-46382054-T-G. GRCh37 (hg19) VCF-style: chr2-46609193-T-G.
Other names: short protein forms M751R.
Identifiers: ClinVar variation 1788464 (VCV001788464.2), dbSNP rs562050994, ClinGen allele CA1645269.

ClinVar aggregate classification (germline): Uncertain significance (1 of 4 stars; one submission).

Conditions:
Inborn genetic diseases. Identifiers: MedGen C0950123, MeSH D030342.

Allele frequency attached by ClinVar (database versions not stated): TOPMed below 0.00001; gnomAD 0.00001; ExAC 0.00009; 1000 Genomes Project 30x 0.00016; 1000 Genomes Project 0.00040.

Submission:

Ambry Genetics
Classification: Uncertain significance for Inborn genetic diseases. Last evaluated: 2022-03-02. Review status: criteria provided, single submitter. Criteria: Ambry Variant Classification Scheme 2023. Collection method: clinical testing. Allele origin: germline.
Comment: The p.M751R variant (also known as c.2252T>G), located in coding exon 14 of the EPAS1 gene, results from a T to G substitution at nucleotide position 2252. The methionine at codon 751 is replaced by arginine, an amino acid with similar properties. This amino acid position is conserved. In addition, this alteration is predicted to be tolerated by in silico analysis. Since supporting evidence is limited at this time, the clinical significance of this alteration remains unclear.